The following is an entry in ClinVar:

ClinVar aggregate classification (germline): Uncertain significance (1 of 4 stars; one submission).

Conditions:
Autosomal dominant spastic paraplegia type 9. Identifiers: MedGen C1832669, MONDO:0015091.
de Barsy syndrome. Also called: Cutis laxa-corneal clouding-oligophrenia syndrome. Identifiers: Orphanet 2962, MedGen C0268354, MONDO:0017569.
Cutis laxa, autosomal dominant 3 (ADCL3). Identifiers: Orphanet 90348, MedGen C4225268, MONDO:0014706, OMIM 616603.

Allele frequency attached by ClinVar (database versions not stated): gnomAD exomes 0.00002 and 0.00001; gnomAD 0.00002; ExAC 0.00002; TOPMed 0.00001.

Submission:

Labcorp Genetics (formerly Invitae), Labcorp
Classification: Uncertain significance for Autosomal dominant spastic paraplegia type 9; de Barsy syndrome; Cutis laxa, autosomal dominant 3. Last evaluated: 2025-12-30. Review status: criteria provided, single submitter. Criteria: Invitae Variant Classification Sherloc (09022015). Collection method: clinical testing. Allele origin: germline.
Comment: This sequence change affects codon 703 of the ALDH18A1 mRNA. It is a 'silent' change, meaning that it does not change the encoded amino acid sequence of the ALDH18A1 protein. It affects a nucleotide within the consensus splice site. This variant is present in population databases (rs779516879, gnomAD 0.006%). This variant has not been reported in the literature in individuals affected with ALDH18A1-related conditions. ClinVar contains an entry for this variant (Variation ID: 1514559). Algorithms developed to predict the effect of sequence changes on RNA splicing suggest that this variant is not likely to affect RNA splicing. In summary, the available evidence is currently insufficient to determine the role of this variant in disease. Therefore, it has been classified as a Variant of Uncertain Significance.

NM_002860.4(ALDH18A1):c.2109C>T (p.Asp703=)

Gene: ALDH18A1 (aldehyde dehydrogenase 18 family member A1; minus strand). Cytogenetic location: 10q24.1.
Variant type: single nucleotide variant.
Coding change: c.2109C>T on transcript NM_002860.4 (MANE Select); coding-DNA position 2109, C replaced by T.
Protein change: p.Asp703=; no amino-acid change (aspartic acid 703 retained).
Molecular consequence: synonymous variant.
Genome position (GRCh38, 1-based): chr10:95,611,257, G>A on the plus strand (C>T on the coding strand, the complement: ALDH18A1 is on the minus strand). VCF-style: chr10-95611257-G-A. GRCh37 (hg19) VCF-style: chr10-97371014-G-A.
Other names: c.2103C>T, p.Asp701= (NM_001017423.2, NM_001323415.2); c.1776C>T, p.Asp592= (NM_001323412.2, NM_001323416.2); c.2109C>T, p.Asp703= (NM_001323413.2, NM_001323414.2); c.2004C>T, p.Asp668= (NM_001323417.2); c.1770C>T, p.Asp590= (NM_001323418.2); c.1473C>T, p.Asp491= (NM_001323419.2).
Identifiers: ClinVar variation 1514559 (VCV001514559.8), dbSNP rs779516879, ClinGen allele CA5620153.